The following is an entry in ClinVar:

ClinVar aggregate classification (germline): Uncertain significance (1 of 4 stars; one submission).

Allele frequency attached by ClinVar (database versions not stated): TOPMed 0.00003; gnomAD 0.00007; ESP Exome Variant Server 0.00008; ExAC 0.00012.
gnomAD v4.1: 99 of 1,613,256 alleles (0.0061%); highest among the groups gnomAD compares: South Asian, 0.068%; no homozygotes.

Submission:

Labcorp Genetics (formerly Invitae), Labcorp
Classification: Uncertain significance. Last evaluated: 2024-12-16. Review status: criteria provided, single submitter. Criteria: Invitae Variant Classification Sherloc (09022015). Collection method: clinical testing. Allele origin: germline.
Comment: This sequence change replaces valine, which is neutral and non-polar, with isoleucine, which is neutral and non-polar, at codon 487 of the CBX2 protein (p.Val487Ile). This variant is present in population databases (rs373385385, gnomAD 0.08%), and has an allele count higher than expected for a pathogenic variant. This variant has not been reported in the literature in individuals affected with CBX2-related conditions. ClinVar contains an entry for this variant (Variation ID: 1902311). Invitae Evidence Modeling of protein sequence and biophysical properties (such as structural, functional, and spatial information, amino acid conservation, physicochemical variation, residue mobility, and thermodynamic stability) indicates that this missense variant is not expected to disrupt CBX2 protein function with a negative predictive value of 80%. In summary, the available evidence is currently insufficient to determine the role of this variant in disease. Therefore, it has been classified as a Variant of Uncertain Significance.

NM_005189.3(CBX2):c.1459G>A (p.Val487Ile)

Gene: CBX2 (chromobox 2; plus strand). Cytogenetic location: 17q25.3.
Variant type: single nucleotide variant.
Coding change: c.1459G>A on transcript NM_005189.3 (MANE Select); coding-DNA position 1459, G replaced by A.
Protein change: p.Val487Ile; replaces valine 487 with isoleucine.
Molecular consequence: missense variant.
Genome position (GRCh38, 1-based): chr17:79,784,902, G>A. VCF-style: chr17-79784902-G-A. GRCh37 (hg19) VCF-style: chr17-77758701-G-A.
Other names: short protein forms V487I.
Identifiers: ClinVar variation 1902311 (VCV001902311.5), dbSNP rs373385385, ClinGen allele CA8811532.